The following is an entry in ClinVar:

ClinVar aggregate classification (germline): Pathogenic (1 of 4 stars; one submission).

Conditions:
Familial cancer of breast. Also called: hereditary breast carcinoma; BREAST CANCER, FAMILIAL; Hereditary breast cancer. Identifiers: Orphanet 227535, MedGen C0346153, MONDO:0016419, OMIM 114480. Disease mechanism: loss of function.

Submission:

Labcorp Genetics (formerly Invitae), Labcorp
Classification: Pathogenic for Familial cancer of breast. Last evaluated: 2025-05-11. Review status: criteria provided, single submitter. Criteria: Invitae Variant Classification Sherloc (09022015). Collection method: clinical testing. Allele origin: germline.
Comment: This sequence change creates a premature translational stop signal (p.Val469Trpfs*13) in the CHEK2 gene. It is expected to result in an absent or disrupted protein product. Loss-of-function variants in CHEK2 are known to be pathogenic (PMID: 21876083, 24713400). This variant is not present in population databases (gnomAD no frequency). This variant has not been reported in the literature in individuals affected with CHEK2-related conditions. For these reasons, this variant has been classified as Pathogenic.

Literature cited by the submitters: PubMed 21876083; PubMed 24713400.

NM_007194.4(CHEK2):c.1405del (p.Val469fs)

Gene: CHEK2 (checkpoint kinase 2; minus strand). Cytogenetic location: 22q12.1.
Variant type: Deletion.
Coding change: c.1405del on transcript NM_007194.4 (MANE Select); coding-DNA position 1405, one base deleted (G; older notation c.1405delG).
Protein change: p.Val469fs; shifts the reading frame from valine 469.
Molecular consequence: frameshift variant.
Genome position (GRCh38, 1-based): chr22:28,694,088, C deleted on the plus strand (G on the coding strand, the reverse complement: CHEK2 is on the minus strand). VCF-style (leftmost placement, unchanged base first): chr22-28694087-AC-A. GRCh37 (hg19) VCF-style: chr22-29090075-AC-A.
Other names: c.1534del, p.Val512fs (NM_001005735.3); c.742del, p.Val248fs (NM_001257387.3, NM_001437942.1); c.1204del, p.Val402fs (NM_001349956.3); c.1498del, p.Val500fs (NM_001438293.1); c.1447del, p.Val483fs (NM_001438294.1); c.1411del, p.Val471fs (NM_001438295.1); c.1318del, p.Val440fs (NM_145862.3); short protein forms V402fs, V440fs, V483fs, V248fs, V471fs, V512fs, V469fs, V500fs.
Identifiers: ClinVar variation 4713875 (VCV004713875.1).